The following is an entry in ClinVar:

NM_020163.3(SEMA3G):c.1521C>T (p.Tyr507=)

Gene: SEMA3G (semaphorin 3G; minus strand). Cytogenetic location: 3p21.1.
Variant type: single nucleotide variant.
Coding change: c.1521C>T on transcript NM_020163.3 (MANE Select); coding-DNA position 1521, C replaced by T.
Protein change: p.Tyr507=; no amino-acid change (tyrosine 507 retained).
Molecular consequence: synonymous variant.
Genome position (GRCh38, 1-based): chr3:52,438,188, G>A on the plus strand (C>T on the coding strand, the complement: SEMA3G is on the minus strand). VCF-style: chr3-52438188-G-A. GRCh37 (hg19) VCF-style: chr3-52472204-G-A.
Identifiers: ClinVar variation 4982259 (VCV004982259.1).

ClinVar aggregate classification (germline): Likely benign (1 of 4 stars; one submission).

Conditions:
SEMA3G-related disorder. Also called: SEMA3G-related condition.

gnomAD v4.1: 18 of 1,612,860 alleles (0.0011%); highest among the groups gnomAD compares: Middle Eastern, 0.017%; no homozygotes.

Submission:

PreventionGenetics, part of Exact Sciences
Classification: Likely benign for SEMA3G-related condition. Last evaluated: 2025-07-29. Review status: criteria provided, single submitter. Criteria: ACMG Guidelines, 2015. Collection method: clinical testing. Allele origin: germline.
Comment: This variant is classified as likely benign based on ACMG/AMP sequence variant interpretation guidelines (Richards et al. 2015 PMID: 25741868, with internal and published modifications).